The following is an entry in ClinVar:

ClinVar aggregate classification (germline): Uncertain significance (1 of 4 stars; one submission).

Conditions:
Deficiency of alpha-mannosidase (MANSA). Also called: LYSOSOMAL ALPHA-D-MANNOSIDASE DEFICIENCY; Mannosidosis, alpha-, types I and II; Alpha-Mannosidosis. Identifiers: Orphanet 61, MedGen C0024748, MONDO:0009561, OMIM 248500.

Allele frequency attached by ClinVar (database versions not stated): gnomAD 0.00001; TOPMed 0.00001.
gnomAD v4.1: 2 of 1,613,860 alleles (0.00012%); highest among the groups gnomAD compares: Admixed American, 0.0017%; no homozygotes.

Submission:

Labcorp Genetics (formerly Invitae), Labcorp
Classification: Uncertain significance for Deficiency of alpha-mannosidase. Last evaluated: 2025-12-20. Review status: criteria provided, single submitter. Criteria: Invitae Variant Classification Sherloc (09022015). Collection method: clinical testing. Allele origin: germline.
Comment: This sequence change replaces valine, which is neutral and non-polar, with glycine, which is neutral and non-polar, at codon 256 of the MAN2B1 protein (p.Val256Gly). This variant is present in population databases (no rsID available, gnomAD 0.1%). This variant has not been reported in the literature in individuals affected with MAN2B1-related conditions. ClinVar contains an entry for this variant (Variation ID: 1361403). Invitae Evidence Modeling of protein sequence and biophysical properties (such as structural, functional, and spatial information, amino acid conservation, physicochemical variation, residue mobility, and thermodynamic stability) has been performed for this missense variant. However, the output from this modeling did not meet the statistical confidence thresholds required to predict the impact of this variant on MAN2B1 protein function. In summary, the available evidence is currently insufficient to determine the role of this variant in disease. Therefore, it has been classified as a Variant of Uncertain Significance.

NM_000528.4(MAN2B1):c.767T>G (p.Val256Gly)

Gene: MAN2B1 (mannosidase alpha class 2B member 1; minus strand). Cytogenetic location: 19p13.13.
Variant type: single nucleotide variant.
Coding change: c.767T>G on transcript NM_000528.4 (MANE Select); coding-DNA position 767, T replaced by G.
Protein change: p.Val256Gly; replaces valine 256 with glycine.
Molecular consequence: missense variant.
Genome position (GRCh38, 1-based): chr19:12,663,459, A>C on the plus strand (T>G on the coding strand, the complement: MAN2B1 is on the minus strand). VCF-style: chr19-12663459-A-C. GRCh37 (hg19) VCF-style: chr19-12774273-A-C.
Other names: c.767T>G, p.Val256Gly (NM_001173498.2); short protein forms V256G.
Identifiers: ClinVar variation 1361403 (VCV001361403.6), dbSNP rs1407251533, ClinGen allele CA404252395.